The following is an entry in ClinVar:

NM_000051.4(ATM):c.1988dup (p.Leu663fs)

Gene: ATM (ATM serine/threonine kinase; plus strand). Cytogenetic location: 11q22.3.
Variant type: Duplication.
Coding change: c.1988dup on transcript NM_000051.4 (MANE Select); coding-DNA position 1988, one base duplicated (T; older notation c.1988dupT).
Protein change: p.Leu663fs; shifts the reading frame from leucine 663.
Molecular consequence: frameshift variant.
Genome position (GRCh38, 1-based): chr11:108,253,903, T duplicated; the last of 5 consecutive T bases (chr11:108,253,899-108,253,903); duplicating any one gives the same sequence. VCF-style (leftmost placement, unchanged base first): chr11-108253898-C-CT. GRCh37 (hg19) VCF-style: chr11-108124625-C-CT.
Other names: c.1988dup, p.Leu663fs (NM_001351834.2); short protein forms L663fs.
Identifiers: ClinVar variation 2107298 (VCV002107298.4), dbSNP rs2135368347, ClinGen allele CA645569736.

ClinVar aggregate classification (germline): Pathogenic (1 of 4 stars; one submission).

Conditions:
Ataxia-telangiectasia syndrome (AT). Also called: AT, COMPLEMENTATION GROUP C; Ataxia telangiectasia (A-T); LOUIS-BAR SYNDROME; Ataxia-telangiectasia, complementation group D; Ataxia-telangiectasia, complementation group E; ATAXIA-TELANGIECTASIA, COMPLEMENTATION GROUP A. Identifiers: Orphanet 100, MedGen C0004135, MONDO:0008840, OMIM 208900.

Submission:

Labcorp Genetics (formerly Invitae), Labcorp
Classification: Pathogenic for Ataxia-telangiectasia syndrome. Last evaluated: 2022-04-07. Review status: criteria provided, single submitter. Criteria: Invitae Variant Classification Sherloc (09022015). Collection method: clinical testing. Allele origin: germline.
Comment: For these reasons, this variant has been classified as Pathogenic. Algorithms developed to predict the effect of sequence changes on RNA splicing suggest that this variant may create or strengthen a splice site. This variant has not been reported in the literature in individuals affected with ATM-related conditions. This variant is not present in population databases (gnomAD no frequency). This sequence change creates a premature translational stop signal (p.Leu663Phefs*42) in the ATM gene. It is expected to result in an absent or disrupted protein product. Loss-of-function variants in ATM are known to be pathogenic (PMID: 23807571, 25614872).

Literature cited by the submitters: PubMed 23807571; PubMed 25614872.